The following is an entry in ClinVar:

ClinVar aggregate classification (germline): Benign (1 of 4 stars; one submission).

Conditions:
Pseudohypoaldosteronism type 2D (PHA2D). Also called: FAMILIAL HYPERKALEMIC HYPERTENSION; PSEUDOHYPOALDOSTERONISM, TYPE IID, AUTOSOMAL DOMINANT OR RECESSIVE; Pseudohypoaldosteronism Type IID. Identifiers: Orphanet 300525, Orphanet 757, MedGen C3469605, MONDO:0013781, OMIM 614495.

Allele frequency attached by ClinVar (database versions not stated): 1000 Genomes Project 0.59105; gnomAD 0.08804 and 0.09053.

Submissions (2):

Illumina Laboratory Services, Illumina
Classification: Benign for Pseudohypoaldosteronism type 2D. Last evaluated: 2018-01-12. Review status: criteria provided, single submitter. Criteria: ICSL Variant Classification Criteria 13 December 2019. Collection method: clinical testing. Allele origin: germline.
Comment: This variant was observed in the ICSL laboratory as part of a predisposition screen in an ostensibly healthy population. It had not been previously curated by ICSL or reported in the Human Gene Mutation Database (HGMD: prior to June 1st, 2018), and was therefore a candidate for classification through an automated scoring system. Utilizing variant allele frequency, disease prevalence and penetrance estimates, and inheritance mode, an automated score was calculated to assess if this variant is too frequent to cause the disease. Based on the score and internal cut-off values, a variant classified as benign is not then subjected to further curation. The score for this variant resulted in a classification of benign for this disease.

Dr. Peter K. Rogan Lab, Western University
No classification provided (evidence only). Condition: Acute myeloid leukemia. Review status: no classification provided. Collection method: in vitro. Allele origin: not applicable. Functional consequence: retained intron. Not counted in ClinVar's aggregate classification.

NM_017415.3(KLHL3):c.*3205A>T

Gene: KLHL3 (kelch like family member 3; minus strand). Cytogenetic location: 5q31.2.
Variant type: single nucleotide variant.
Coding change: c.*3205A>T on transcript NM_017415.3 (MANE Select); 3205 bases downstream of the stop codon, A replaced by T.
Molecular consequence: 3 prime UTR variant.
Genome position (GRCh38, 1-based): chr5:137,618,893, T>A on the plus strand (A>T on the coding strand, the complement: KLHL3 is on the minus strand). VCF-style: chr5-137618893-T-A. GRCh37 (hg19) VCF-style: chr5-136954582-T-A.
Other names: NC_000005.9:g.136954582T>A; c.*3205A>T (NM_001257194.1, NM_001257195.2).
Identifiers: ClinVar variation 350938 (VCV000350938.7), dbSNP rs35251512, ClinGen allele CA10619064.